The following is an entry in ClinVar:

ClinVar aggregate classification (germline): Uncertain significance (1 of 4 stars; one submission).

Conditions:
Emery-Dreifuss muscular dystrophy (EDMD). Also called: Scapuloperoneal syndrome, X-linked (formerly); Humeroperoneal neuromuscular disease, (formerly). Identifiers: Orphanet 261, MedGen C0410189, MONDO:0016830.

Submission:

Labcorp Genetics (formerly Invitae), Labcorp
Classification: Uncertain significance for Emery-Dreifuss muscular dystrophy. Last evaluated: 2024-02-17. Review status: criteria provided, single submitter. Criteria: Invitae Variant Classification Sherloc (09022015). Collection method: clinical testing. Allele origin: germline.
Comment: This sequence change falls in intron 14 of the SUN1 gene. It does not directly change the encoded amino acid sequence of the SUN1 protein. This variant is present in population databases (rs771625264, gnomAD 0.003%). This variant has not been reported in the literature in individuals affected with SUN1-related conditions. Algorithms developed to predict the effect of sequence changes on RNA splicing suggest that this variant may disrupt the consensus splice site. In summary, the available evidence is currently insufficient to determine the role of this variant in disease. Therefore, it has been classified as a Variant of Uncertain Significance.

NM_001130965.3(SUN1):c.1779+3GAGTCGGC[3]

Gene: SUN1 (Sad1 and UNC84 domain containing 1; plus strand). Cytogenetic location: 7p22.3.
Variant type: Microsatellite.
Coding change: c.1779+3GAGTCGGC[3] on transcript NM_001130965.3 (MANE Select); three copies in a row of the 8-base unit GAGTCGGC starting at c.1779+3.
Molecular consequence: intron variant.
Genome position: GRCh38 VCF-style: chr7-860384-T-TGAGTCGGC. GRCh37 (hg19) VCF-style: chr7-900021-T-TGAGTCGGC.
Other names: c.1821+3GAGTCGGC[3] (NM_001367647.1, NM_001367668.1); c.1713+3GAGTCGGC[3] (NM_001367680.1); c.1680+3GAGTCGGC[3] (NM_001367701.1); c.1710+3GAGTCGGC[3] (NM_001367644.1); c.1611+3GAGTCGGC[3] (NM_001367686.1); c.1596+3GAGTCGGC[3] (NM_001367660.1); c.1626+3GAGTCGGC[3] (NM_001367671.1, NM_001367662.1); c.1530+3GAGTCGGC[3] (NM_025154.6); and 43 more.
Identifiers: ClinVar variation 3619749 (VCV003619749.2).
Genomic context (GRCh38, chr7:860,384, plus strand): 5'-CCTCAGAAGCCGTGGTGTCTGCTGTGAGCGAGGCGGGGGCGTCTGGAATAACAGAGGCGG[T>TGAGTCGGC]GAGTCGGCGAGTCGGCGGCAAGAGATGCTTACAGTCCATTCTGTGCTGAGACTGAAGACC-3'